The following is an entry in ClinVar:

ClinVar aggregate classification (germline): Uncertain significance (1 of 4 stars; one submission).

Submission:

GeneDx
Classification: Uncertain significance. Last evaluated: 2019-05-31. Review status: criteria provided, single submitter. Criteria: GeneDx Variant Classification Process June 2021. Collection method: clinical testing. Allele origin: germline. Affected: yes.
Comment: Not observed in large population cohorts (Lek et al., 2016); The majority of missense variants in this gene are considered pathogenic (Stenson et al., 2014); In silico analysis, which includes protein predictors and evolutionary conservation, supports a deleterious effect; Has not been previously published as pathogenic or benign to our knowledge; This substitution is predicted to be within the C-terminal cytoplasmic domain

NM_172107.4(KCNQ2):c.1769A>C (p.Asp590Ala)

Gene: KCNQ2 (potassium voltage-gated channel subfamily Q member 2; minus strand). Cytogenetic location: 20q13.33.
Variant type: single nucleotide variant.
Coding change: c.1769A>C on transcript NM_172107.4 (MANE Select); coding-DNA position 1769, A replaced by C.
Protein change: p.Asp590Ala; replaces aspartic acid 590 with alanine.
Molecular consequence: missense variant.
Genome position (GRCh38, 1-based): chr20:63,408,531, T>G on the plus strand (A>C on the coding strand, the complement: KCNQ2 is on the minus strand). VCF-style: chr20-63408531-T-G. GRCh37 (hg19) VCF-style: chr20-62039884-T-G.
Other names: c.1823A>C, p.Asp608Ala (NM_001382235.1); c.1685A>C, p.Asp562Ala (NM_004518.6); c.1715A>C, p.Asp572Ala (NM_172106.3); c.1676A>C, p.Asp559Ala (NM_172108.5); short protein forms D559A, D562A, D572A, D590A, D608A.
Identifiers: ClinVar variation 1306160 (VCV001306160.2), dbSNP rs2145497758, ClinGen allele CA409640496.